The following is an entry in ClinVar:

ClinVar aggregate classification (germline): Uncertain significance (1 of 4 stars; one submission).

Submission:

GeneDx
Classification: Uncertain significance. Last evaluated: 2021-01-15. Review status: criteria provided, single submitter. Criteria: GeneDx Variant Classification Process June 2021. Collection method: clinical testing. Allele origin: germline. Affected: yes.
Comment: Not observed in large population cohorts (Lek et al., 2016); In silico analysis supports that this missense variant has a deleterious effect on protein structure/function; Has not been previously published as pathogenic or benign to our knowledge

NM_001927.4(DES):c.327G>T (p.Lys109Asn)

Gene: DES (desmin; plus strand). Cytogenetic location: 2q35.
Variant type: single nucleotide variant.
Coding change: c.327G>T on transcript NM_001927.4 (MANE Select); coding-DNA position 327, G replaced by T.
Protein change: p.Lys109Asn; replaces lysine 109 with asparagine.
Molecular consequence: missense variant.
Genome position (GRCh38, 1-based): chr2:219,418,789, G>T. VCF-style: chr2-219418789-G-T. GRCh37 (hg19) VCF-style: chr2-220283511-G-T.
Other names: c.327G>T, p.Lys109Asn (NM_001382708.1, NM_001382709.1, NM_001382710.1 and 3 more transcripts); short protein forms K109N.
Identifiers: ClinVar variation 1304501 (VCV001304501.2), dbSNP rs2125166233, ClinGen allele CA350685256.